The following is an entry in ClinVar:

ClinVar aggregate classification (germline): Uncertain significance (1 of 4 stars; one submission).

Submission:

Labcorp Genetics (formerly Invitae), Labcorp
Classification: Uncertain significance. Last evaluated: 2023-06-05. Review status: criteria provided, single submitter. Criteria: Invitae Variant Classification Sherloc (09022015). Collection method: clinical testing. Allele origin: germline.
Comment: In summary, the available evidence is currently insufficient to determine the role of this variant in disease. Therefore, it has been classified as a Variant of Uncertain Significance. Experimental studies and prediction algorithms are not available or were not evaluated, and the functional significance of this variant is currently unknown. This sequence change creates a premature translational stop signal (p.Thr806Glnfs*3) in the TOPORS gene. While this is not anticipated to result in nonsense mediated decay, it is expected to disrupt the last 240 amino acid(s) of the TOPORS protein. This variant is not present in population databases (gnomAD no frequency). This variant has not been reported in the literature in individuals affected with TOPORS-related conditions.

NM_005802.5(TOPORS):c.2415_2506del (p.Thr806fs)

Gene: TOPORS (TOP1 binding arginine/serine rich protein, E3 ubiquitin ligase; minus strand). Cytogenetic location: 9p21.1.
Variant type: Deletion.
Coding change: c.2415_2506del on transcript NM_005802.5 (MANE Select); coding-DNA positions 2415 to 2506, 92 bases deleted.
Protein change: p.Thr806fs; shifts the reading frame from threonine 806.
Molecular consequence: frameshift variant.
Genome position (GRCh38, 1-based): chr9:32,542,019-32,542,110, 92 bases deleted. GRCh37 (hg19): chr9:32,542,017-32,542,108.
Other names: c.2220_2311del, p.Thr741fs (NM_001195622.2); short protein forms T741fs, T806fs.
Identifiers: ClinVar variation 2772576 (VCV002772576.3), dbSNP rs2489446599, ClinGen allele CA2697557724.